The following is an entry in ClinVar:

ClinVar aggregate classification (germline): Uncertain significance. Review status: criteria provided, multiple submitters, no conflicts (2 of 4 stars). 3 submissions from 3 submitters: Uncertain significance (3). Last evaluated 2025-11-26.

Conditions:
Hereditary cancer-predisposing syndrome. Also called: Neoplastic Syndromes, Hereditary; Hereditary Cancer Syndrome; Tumor predisposition; Hereditary neoplastic syndrome. Identifiers: Orphanet 140162, MedGen C0027672, MeSH D009386, MONDO:0015356.

Allele frequency attached by ClinVar (database versions not stated): gnomAD exomes below 0.00001.
gnomAD v4.1: 2 of 1,614,206 alleles (0.00012%); highest among the groups gnomAD compares: Admixed American, 0.0033%; no homozygotes.

Submissions (3):

Ambry Genetics
Classification: Uncertain significance for Hereditary cancer-predisposing syndrome. Last evaluated: 2025-11-26. Review status: criteria provided, single submitter. Criteria: Ambry Variant Classification Scheme 2023. Collection method: clinical testing. Allele origin: germline.
Comment: The p.L227V variant (also known as c.679C>G), located in coding exon 3 of the XRCC2 gene, results from a C to G substitution at nucleotide position 679. The leucine at codon 227 is replaced by valine, an amino acid with highly similar properties. This amino acid position is highly conserved in available vertebrate species. In addition, the in silico prediction for this alteration is inconclusive. Since supporting evidence is limited at this time, the clinical significance of this alteration remains unclear.

Labcorp Genetics (formerly Invitae), Labcorp
Classification: Uncertain significance. Last evaluated: 2025-09-29. Review status: criteria provided, single submitter. Criteria: Invitae Variant Classification Sherloc (09022015). Collection method: clinical testing. Allele origin: germline.
Comment: This sequence change replaces leucine, which is neutral and non-polar, with valine, which is neutral and non-polar, at codon 227 of the XRCC2 protein (p.Leu227Val). This variant is present in population databases (no rsID available, gnomAD 0.003%). This variant has not been reported in the literature in individuals affected with XRCC2-related conditions. ClinVar contains an entry for this variant (Variation ID: 584724). Invitae Evidence Modeling of protein sequence and biophysical properties (such as structural, functional, and spatial information, amino acid conservation, physicochemical variation, residue mobility, and thermodynamic stability) has been performed for this missense variant. However, the output from this modeling did not meet the statistical confidence thresholds required to predict the impact of this variant on XRCC2 protein function. In summary, the available evidence is currently insufficient to determine the role of this variant in disease. Therefore, it has been classified as a Variant of Uncertain Significance.

Mendelics
Classification: Uncertain significance for Hereditary Cancer Syndrome. Last evaluated: 2018-07-02. Review status: criteria provided, single submitter. Criteria: Mendelics Assertion Criteria 2017. Collection method: clinical testing. Allele origin: unknown.

NM_005431.2(XRCC2):c.679C>G (p.Leu227Val)

Gene: XRCC2 (X-ray repair cross complementing 2; minus strand). Cytogenetic location: 7q36.1.
Variant type: single nucleotide variant.
Coding change: c.679C>G on transcript NM_005431.2 (MANE Select); coding-DNA position 679, C replaced by G.
Protein change: p.Leu227Val; replaces leucine 227 with valine.
Molecular consequence: missense variant.
Genome position (GRCh38, 1-based): chr7:152,648,806, G>C on the plus strand (C>G on the coding strand, the complement: XRCC2 is on the minus strand). VCF-style: chr7-152648806-G-C. GRCh37 (hg19) VCF-style: chr7-152345891-G-C.
Other names: c.679C>G (NM_005431.1); short protein forms L227V.
Identifiers: ClinVar variation 584724 (VCV000584724.9), dbSNP rs1384417628, ClinGen allele CA370198187.
Genomic context (GRCh38, chr7:152,648,806, plus strand): 5'-AATCATCTTGTTTGGAGAAAAACATCCTGTGCTTCACCAGTTGCTGCCATGCCTTACAGA[G>C]ATAAGGTCTGTAGTCTATGTCCACATCACACAGTCGTCGAGAGGCATGAGAAGGTTCTTC-3'
Protein context (NP_005422.1, residues 217-237): CDVDIDYRPY[Leu227Val]CKAWQQLVKH